The following is an entry in ClinVar:

NM_000023.4(SGCA):c.284C>G (p.Pro95Arg)

Gene: SGCA (sarcoglycan alpha; plus strand). Cytogenetic location: 17q21.33.
Variant type: single nucleotide variant.
Coding change: c.284C>G on transcript NM_000023.4 (MANE Select); coding-DNA position 284, C replaced by G.
Protein change: p.Pro95Arg; replaces proline 95 with arginine.
Molecular consequence: missense variant. On other transcripts: non-coding transcript variant (1).
Genome position (GRCh38, 1-based): chr17:50,167,708, C>G. VCF-style: chr17-50167708-C-G. GRCh37 (hg19) VCF-style: chr17-48245069-C-G.
Other names: c.284C>G, p.Pro95Arg (NM_001135697.3); short protein forms P95R.
Identifiers: ClinVar variation 1021250 (VCV001021250.9), dbSNP rs1905033797, ClinGen allele CA400177851.

ClinVar aggregate classification (germline): Uncertain significance (1 of 4 stars; one submission).

Conditions:
Autosomal recessive limb-girdle muscular dystrophy type 2D (LGMDR3). Also called: ADHALINOPATHY, PRIMARY; MUSCULAR DYSTROPHY, LIMB-GIRDLE, AUTOSOMAL RECESSIVE 3; DUCHENNE-LIKE AUTOSOMAL RECESSIVE MUSCULAR DYSTROPHY, TYPE 2. Identifiers: Orphanet 62, MedGen C2936332, MONDO:0011968, OMIM 608099. Disease mechanism: Affects gamma-sarcoglycan and also disrupts the integrity of the entire sarcoglycan complex..

Allele frequency attached by ClinVar (database versions not stated): gnomAD exomes below 0.00001.

Submission:

Labcorp Genetics (formerly Invitae), Labcorp
Classification: Uncertain significance for Autosomal recessive limb-girdle muscular dystrophy type 2D. Last evaluated: 2020-02-06. Review status: criteria provided, single submitter. Criteria: Invitae Variant Classification Sherloc (09022015). Collection method: clinical testing. Allele origin: germline.
Comment: In summary, the available evidence is currently insufficient to determine the role of this variant in disease. Therefore, it has been classified as a Variant of Uncertain Significance. Algorithms developed to predict the effect of missense changes on protein structure and function (SIFT, PolyPhen-2, Align-GVGD) all suggest that this variant is likely to be tolerated, but these predictions have not been confirmed by published functional studies and their clinical significance is uncertain. This variant has not been reported in the literature in individuals with SGCA-related conditions. This variant is not present in population databases (ExAC no frequency). This sequence change replaces proline with arginine at codon 95 of the SGCA protein (p.Pro95Arg). The proline residue is moderately conserved and there is a moderate physicochemical difference between proline and arginine.